The following is an entry in ClinVar:

ClinVar aggregate classification (germline): Uncertain significance (1 of 4 stars; one submission).

Conditions:
SON-related disorder. Also called: SON-related condition.

Submission:

PreventionGenetics, part of Exact Sciences
Classification: Uncertain significance for SON-related condition. Last evaluated: 2025-03-10. Review status: criteria provided, single submitter. Criteria: ACMG Guidelines, 2015. Collection method: clinical testing. Allele origin: germline.
Comment: The SON c.1093C>T variant is predicted to result in the amino acid substitution p.Pro365Ser. To our knowledge, this variant has not been reported in the literature or in a large population database (gnomAD), indicating this variant is rare. At this time, the clinical significance of this variant is uncertain due to the absence of conclusive functional and genetic evidence.

NM_138927.4(SON):c.1093C>T (p.Pro365Ser)

Gene: SON (SON DNA and RNA binding protein; plus strand). Cytogenetic location: 21q22.11.
Variant type: single nucleotide variant.
Coding change: c.1093C>T on transcript NM_138927.4 (MANE Select); coding-DNA position 1093, C replaced by T.
Protein change: p.Pro365Ser; replaces proline 365 with serine.
Molecular consequence: missense variant. On other transcripts: non-coding transcript variant (1), intron variant (1).
Genome position (GRCh38, 1-based): chr21:33,550,324, C>T. VCF-style: chr21-33550324-C-T. GRCh37 (hg19) VCF-style: chr21-34922630-C-T.
Other names: c.1093C>T, p.Pro365Ser (NM_001291411.2, NM_032195.3); c.244+3945C>T (NM_001291412.3); short protein forms P365S.
Identifiers: ClinVar variation 5002096 (VCV005002096.1).